The following is an entry in ClinVar:

NM_022835.3(PLEKHG2):c.403G>A (p.Gly135Ser)

Gene: PLEKHG2 (pleckstrin homology and RhoGEF domain containing G2; plus strand). Cytogenetic location: 19q13.2.
Variant type: single nucleotide variant.
Coding change: c.403G>A on transcript NM_022835.3 (MANE Select); coding-DNA position 403, G replaced by A.
Protein change: p.Gly135Ser; replaces glycine 135 with serine.
Molecular consequence: missense variant.
Genome position (GRCh38, 1-based): chr19:39,415,363, G>A. VCF-style: chr19-39415363-G-A. GRCh37 (hg19) VCF-style: chr19-39906003-G-A.
Other names: c.226G>A, p.Gly76Ser (NM_001351693.2); c.403G>A, p.Gly135Ser (NM_001351694.2); short protein forms G135S, G76S.
Identifiers: ClinVar variation 790761 (VCV000790761.36), dbSNP rs147871368, ClinGen allele CA9429054.
Genomic context (GRCh38, chr19:39,415,363, plus strand): 5'-GCCCCTTGGCCCCCATAACCCCAGTCATCCCAACAGGACTACCTGGGCCCTCTGCTGGAC[G>A]GCGGGGTCCTGGGGCTGAGCGTGGAGCAGGTGGGCACGCTGTTTGCCAACATTGAGGACA-3'
Protein context (NP_073746.2, residues 125-145): VEDYLGPLLD[Gly135Ser]GVLGLSVEQV

ClinVar aggregate classification (germline): Benign. Review status: criteria provided, multiple submitters, no conflicts (2 of 4 stars). 4 submissions from 4 submitters: Benign (3). 1 of the submissions does not count toward it. Last evaluated 2025-12-20.

Conditions:
PLEKHG2-related disorder. Also called: PLEKHG2-related condition.

Allele frequency attached by ClinVar (database versions not stated): 1000 Genomes Project 0.00280; TOPMed 0.00343; gnomAD 0.00356 and 0.00383; ESP Exome Variant Server 0.00377; 1000 Genomes Project 30x 0.00406.
gnomAD v4.1: 1,014 of 1,614,160 alleles (0.063%); highest among the groups gnomAD compares: African/African-American, 1.2%; 8 homozygotes.

Submissions (4):

Labcorp Genetics (formerly Invitae), Labcorp
Classification: Benign. Last evaluated: 2025-12-20. Review status: criteria provided, single submitter. Criteria: Invitae Variant Classification Sherloc (09022015). Collection method: clinical testing. Allele origin: germline.

CeGaT Center for Human Genetics Tuebingen
Classification: Benign. Last evaluated: 2023-08-01. Review status: criteria provided, single submitter. Criteria: CeGaT Center For Human Genetics Tuebingen Variant Classification Criteria Version 2. Collection method: clinical testing. Allele origin: germline. Affected: yes. Observed: 1 variant allele.
Comment: PLEKHG2: BP4, BS1, BS2

Breakthrough Genomics
Classification: Benign. Review status: criteria provided, single submitter. Criteria: ACMG Guidelines, 2015. Collection method: not provided. Allele origin: germline. Inheritance: Autosomal recessive inheritance. Affected: yes.

PreventionGenetics, part of Exact Sciences
Classification: Benign for PLEKHG2-related condition. Last evaluated: 2020-01-22. Review status: no assertion criteria provided. Collection method: clinical testing. Allele origin: germline. Not counted in ClinVar's aggregate classification.
Comment: This variant is classified as benign based on ACMG/AMP sequence variant interpretation guidelines (Richards et al. 2015 PMID: 25741868, with internal and published modifications).